The following is an entry in ClinVar:

ClinVar aggregate classification (germline): Likely pathogenic (1 of 4 stars; one submission).

Submission:

Labcorp Genetics (formerly Invitae), Labcorp
Classification: Likely pathogenic. Last evaluated: 2022-08-23. Review status: criteria provided, single submitter. Criteria: Invitae Variant Classification Sherloc (09022015). Collection method: clinical testing. Allele origin: germline.
Comment: ClinVar contains an entry for this variant (Variation ID: 1493539). In summary, the currently available evidence indicates that the variant is pathogenic, but additional data are needed to prove that conclusively. Therefore, this variant has been classified as Likely Pathogenic. This variant disrupts a region of the LRAT protein in which other variant(s) (p.Gly210Arg) have been observed in individuals with LRAT-related conditions (Invitae). This suggests that this is a clinically significant region of the protein, and that variants that disrupt it are likely to be disease-causing. Algorithms developed to predict the effect of sequence changes on RNA splicing suggest that this variant may disrupt the consensus splice site. This premature translational stop signal has been observed in individual(s) with retinitis pigmentosa (Invitae). It has also been observed to segregate with disease in related individuals. This variant is not present in population databases (gnomAD no frequency). This sequence change creates a premature translational stop signal (p.Leu203*) in the LRAT gene. While this is not anticipated to result in nonsense mediated decay, it is expected to disrupt the last 28 amino acid(s) of the LRAT protein.

NM_004744.5(LRAT):c.608T>A (p.Leu203Ter)

Gene: LRAT (lecithin retinol acyltransferase; plus strand). Cytogenetic location: 4q32.1.
Variant type: single nucleotide variant.
Coding change: c.608T>A on transcript NM_004744.5 (MANE Select); coding-DNA position 608, T replaced by A.
Protein change: p.Leu203Ter; replaces leucine 203 with a stop codon.
Molecular consequence: nonsense.
Genome position (GRCh38, 1-based): chr4:154,749,051, T>A. VCF-style: chr4-154749051-T-A. GRCh37 (hg19) VCF-style: chr4-155670203-T-A.
Other names: c.608T>A, p.Leu203Ter (NM_001301645.2); short protein forms L203*.
Identifiers: ClinVar variation 1493539 (VCV001493539.6), dbSNP rs2111038250, ClinGen allele CA358631069.
Genomic context (GRCh38, chr4:154,749,051, plus strand): 5'-AGACTGTGAAGATAATTATTCGTGATCAGAGAAGTGTTCTTGCTTCAGCAGTCTTGGGAT[T>A]GGCGTCTATAGTCTGTACGGGCTTGGTATCATACACTACCCTTCCTGCAATTTTTATTCC-3'